The following is an entry in ClinVar:

NM_013339.4(ALG6):c.1291T>G (p.Cys431Gly)

Gene: ALG6 (ALG6 alpha-1,3-glucosyltransferase; plus strand). Cytogenetic location: 1p31.3.
Variant type: single nucleotide variant.
Coding change: c.1291T>G on transcript NM_013339.4 (MANE Select); coding-DNA position 1291, T replaced by G.
Protein change: p.Cys431Gly; replaces cysteine 431 with glycine.
Molecular consequence: missense variant.
Genome position (GRCh38, 1-based): chr1:63,429,091, T>G. VCF-style: chr1-63429091-T-G. GRCh37 (hg19) VCF-style: chr1-63894762-T-G.
Other names: c.1291T>G (NM_013339.3); short protein forms C431G.
Identifiers: ClinVar variation 2143323 (VCV002143323.5), dbSNP rs376292789, ClinGen allele CA888413.

ClinVar aggregate classification (germline): Uncertain significance. Review status: criteria provided, multiple submitters, no conflicts (2 of 4 stars). 3 submissions from 3 submitters: Uncertain significance (3). Last evaluated 2022-08-16.

Conditions:
Inborn genetic diseases. Identifiers: MedGen C0950123, MeSH D030342.
ALG6-congenital disorder of glycosylation 1C (CDG1C). Also called: CARBOHYDRATE-DEFICIENT GLYCOPROTEIN SYNDROME, TYPE I, WITH DEFICIENT GLYCOSYLATION OF DOLICHOL-LINKED OLIGOSACCHARIDE; CARBOHYDRATE-DEFICIENT GLYCOPROTEIN SYNDROME, TYPE V; Congenital disorder of glycosylation type 1C; Congenital disorder of glycosylation, type Ic; CDG Ic. Identifiers: Orphanet 79320, MedGen C2930997, MONDO:0011291, OMIM 603147.

Allele frequency attached by ClinVar (database versions not stated): ExAC 0.00001; gnomAD 0.00001; TOPMed 0.00003.
gnomAD v4.1: 11 of 1,603,520 alleles (0.00069%); highest among the groups gnomAD compares: East Asian, 0.011%; no homozygotes.

Submissions (3):

Labcorp Genetics (formerly Invitae), Labcorp
Classification: Uncertain significance for ALG6-congenital disorder of glycosylation 1C. Last evaluated: 2022-08-16. Review status: criteria provided, single submitter. Criteria: Invitae Variant Classification Sherloc (09022015). Collection method: clinical testing. Allele origin: germline.
Comment: This sequence change replaces cysteine, which is neutral and slightly polar, with glycine, which is neutral and non-polar, at codon 431 of the ALG6 protein (p.Cys431Gly). The frequency data for this variant in the population databases is considered unreliable, as metrics indicate poor data quality at this position in the gnomAD database. This variant has not been reported in the literature in individuals affected with ALG6-related conditions. Algorithms developed to predict the effect of missense changes on protein structure and function output the following: SIFT: "Tolerated"; PolyPhen-2: "Benign"; Align-GVGD: "Class C0". The glycine amino acid residue is found in multiple mammalian species, which suggests that this missense change does not adversely affect protein function. Algorithms developed to predict the effect of sequence changes on RNA splicing suggest that this variant may create or strengthen a splice site. In summary, the available evidence is currently insufficient to determine the role of this variant in disease. Therefore, it has been classified as a Variant of Uncertain Significance.

Ambry Genetics
Classification: Uncertain significance for Inborn genetic diseases. Last evaluated: 2021-08-20. Review status: criteria provided, single submitter. Criteria: Ambry Variant Classification Scheme 2023. Collection method: clinical testing. Allele origin: germline.

Revvity Omics, Revvity
Classification: Uncertain significance for ALG6-congenital disorder of glycosylation 1C. Last evaluated: 2020-01-09. Review status: criteria provided, single submitter. Criteria: ACMG Guidelines, 2015. Collection method: clinical testing. Allele origin: germline.